The following is an entry in ClinVar:

ClinVar aggregate classification (germline): Uncertain significance (1 of 4 stars; one submission).

Allele frequency attached by ClinVar (database versions not stated): gnomAD exomes below 0.00001; TOPMed below 0.00001; ExAC 0.00001; ESP Exome Variant Server 0.00008.
gnomAD v4.1: 4 of 1,614,046 alleles (0.00025%); highest among the groups gnomAD compares: African/African-American, 0.0013%; no homozygotes.

Submission:

Labcorp Genetics (formerly Invitae), Labcorp
Classification: Uncertain significance. Last evaluated: 2024-10-17. Review status: criteria provided, single submitter. Criteria: Invitae Variant Classification Sherloc (09022015). Collection method: clinical testing. Allele origin: germline.
Comment: This sequence change replaces glycine, which is neutral and non-polar, with arginine, which is basic and polar, at codon 532 of the CLCN6 protein (p.Gly532Arg). This variant is not present in population databases (gnomAD no frequency). This variant has not been reported in the literature in individuals affected with CLCN6-related conditions. An algorithm developed to predict the effect of missense changes on protein structure and function (PolyPhen-2) suggests that this variant is likely to be disruptive. In summary, the available evidence is currently insufficient to determine the role of this variant in disease. Therefore, it has been classified as a Variant of Uncertain Significance.

NM_001286.5(CLCN6):c.1594G>A (p.Gly532Arg)

Gene: CLCN6 (chloride voltage-gated channel 6; plus strand). Cytogenetic location: 1p36.22.
Variant type: single nucleotide variant.
Coding change: c.1594G>A on transcript NM_001286.5 (MANE Select); coding-DNA position 1594, G replaced by A.
Protein change: p.Gly532Arg; replaces glycine 532 with arginine.
Molecular consequence: missense variant. On other transcripts: non-coding transcript variant (1).
Genome position (GRCh38, 1-based): chr1:11,834,303, G>A. VCF-style: chr1-11834303-G-A. GRCh37 (hg19) VCF-style: chr1-11894360-G-A.
Other names: c.1528G>A, p.Gly510Arg (NM_001256959.2); short protein forms G510R, G532R.
Identifiers: ClinVar variation 2886696 (VCV002886696.3), dbSNP rs140748453, ClinGen allele CA596550.